The following is an entry in ClinVar:

ClinVar aggregate classification (germline): Uncertain significance (1 of 4 stars; one submission).

Conditions:
CPLANE1-related disorder. Also called: CPLANE1-related condition.

Allele frequency attached by ClinVar (database versions not stated): gnomAD exomes 0.00001.

Submission:

PreventionGenetics, part of Exact Sciences
Classification: Uncertain significance for CPLANE1-related condition. Last evaluated: 2023-10-04. Review status: criteria provided, single submitter. Criteria: ACMG Guidelines, 2015. Collection method: clinical testing. Allele origin: germline.
Comment: The CPLANE1 c.539C>A variant is predicted to result in the amino acid substitution p.Ala180Asp. To our knowledge, this variant has not been reported in the literature. This variant is reported in 0.0089% of alleles in individuals of South Asian descent in gnomAD. At this time, the clinical significance of this variant is uncertain due to the absence of conclusive functional and genetic evidence.

NM_001384732.1(CPLANE1):c.539C>A (p.Ala180Asp)

Gene: CPLANE1 (ciliogenesis and planar polarity effector complex subunit 1; minus strand). Cytogenetic location: 5p13.2.
Variant type: single nucleotide variant.
Coding change: c.539C>A on transcript NM_001384732.1 (MANE Select); coding-DNA position 539, C replaced by A.
Protein change: p.Ala180Asp; replaces alanine 180 with aspartic acid.
Molecular consequence: missense variant.
Genome position (GRCh38, 1-based): chr5:37,244,406, G>T on the plus strand (C>A on the coding strand, the complement: CPLANE1 is on the minus strand). VCF-style: chr5-37244406-G-T. GRCh37 (hg19) VCF-style: chr5-37244508-G-T.
Other names: c.539C>A, p.Ala180Asp (NM_023073.4); short protein forms A180D.
Identifiers: ClinVar variation 2633988 (VCV002633988.1), dbSNP rs1314437814, ClinGen allele CA359521280.